The following is an entry in ClinVar:

NM_020800.3(IFT80):c.1288G>A (p.Ala430Thr)

Genes: TRIM59-IFT80 (TRIM59-IFT80 readthrough (NMD candidate); minus strand), IFT80 (intraflagellar transport 80; minus strand). Cytogenetic location: 3q25.33.
Variant type: single nucleotide variant.
Coding change: c.1288G>A on transcript NM_020800.3 (MANE Select); coding-DNA position 1288, G replaced by A.
Protein change: p.Ala430Thr; replaces alanine 430 with threonine.
Molecular consequence: missense variant. On other transcripts: non-coding transcript variant (3).
Genome position (GRCh38, 1-based): chr3:160,300,910, C>T on the plus strand (G>A on the coding strand, the complement: IFT80 is on the minus strand). VCF-style: chr3-160300910-C-T. GRCh37 (hg19) VCF-style: chr3-160018698-C-T.
Other names: K460K; c.877G>A, p.Ala293Thr (NM_001190241.2, NM_001190242.2); c.1380G>A (NM_020800.2); short protein forms A293T, A430T.
Identifiers: ClinVar variation 845916 (VCV000845916.12), dbSNP rs1716375276, ClinGen allele CA355193532.

ClinVar aggregate classification (germline): Uncertain significance. Review status: criteria provided, single submitter (1 of 4 stars). 2 submissions from 2 submitters: Uncertain significance (1). 1 of the submissions does not count toward it. Last evaluated 2019-12-30.

Conditions:
Jeune thoracic dystrophy. Also called: Jeune syndrome; Infantile thoracic dystrophy; Thoracic pelvic phalangeal dystrophy; Jeune's syndrome; Chondroectodermal dysplasia-like syndrome; Short-rib thoracic dysplasia. Identifiers: Orphanet 474, MedGen C0265275, MONDO:0018770.
Asphyxiating thoracic dystrophy 2 (SRTD2). Also called: SHORT-RIB THORACIC DYSPLASIA 2 WITH OR WITHOUT POLYDACTYLY; SHORT-RIB THORACIC DYSPLASIA 2 WITH POLYDACTYLY; SHORT-RIB THORACIC DYSPLASIA 2 WITHOUT POLYDACTYLY. Identifiers: Orphanet 474, MedGen C1970005, MONDO:0012644, OMIM 611263.

Allele frequency attached by ClinVar (database versions not stated): gnomAD exomes below 0.00001.
gnomAD v4.1: 1 of 1,608,654 alleles (0.000062%); highest among the groups gnomAD compares: Non-Finnish European, 0.000085%; no homozygotes.

Submissions (2):

Labcorp Genetics (formerly Invitae), Labcorp
Classification: Uncertain significance for Jeune thoracic dystrophy. Last evaluated: 2019-12-30. Review status: criteria provided, single submitter. Criteria: Invitae Variant Classification Sherloc (09022015). Collection method: clinical testing. Allele origin: germline.
Comment: Algorithms developed to predict the effect of missense changes on protein structure and function are either unavailable or do not agree on the potential impact of this missense change (SIFT: "Deleterious"; PolyPhen-2: "Possibly Damaging"; Align-GVGD: "Class C0"). In summary, the available evidence is currently insufficient to determine the role of this variant in disease. Therefore, it has been classified as a Variant of Uncertain Significance. This variant has been observed in individual(s) with short rib-polydactyly syndrome (PMID: 30767363). This variant is not present in population databases (ExAC no frequency). This sequence change replaces alanine with threonine at codon 430 of the IFT80 protein (p.Ala430Thr). The alanine residue is highly conserved and there is a small physicochemical difference between alanine and threonine.

OMIM
Classification: Pathogenic for SHORT-RIB THORACIC DYSPLASIA 2 WITH POLYDACTYLY. Last evaluated: 2020-10-29. Review status: no assertion criteria provided. Collection method: literature only. Allele origin: germline. Not counted in ClinVar's aggregate classification.

Literature cited by the submitters: PubMed 30767363 (cited by Labcorp Genetics (formerly Invitae), Labcorp and OMIM).